The following is an entry in ClinVar:

ClinVar aggregate classification (germline): Uncertain significance (1 of 4 stars; one submission).

Submission:

Labcorp Genetics (formerly Invitae), Labcorp
Classification: Uncertain significance. Last evaluated: 2022-08-22. Review status: criteria provided, single submitter. Criteria: Invitae Variant Classification Sherloc (09022015). Collection method: clinical testing. Allele origin: germline.
Comment: In summary, the available evidence is currently insufficient to determine the role of this variant in disease. Therefore, it has been classified as a Variant of Uncertain Significance. Advanced modeling of protein sequence and biophysical properties (such as structural, functional, and spatial information, amino acid conservation, physicochemical variation, residue mobility, and thermodynamic stability) performed at Invitae indicates that this missense variant is not expected to disrupt COL11A1 protein function. This variant has not been reported in the literature in individuals affected with COL11A1-related conditions. This variant is not present in population databases (gnomAD no frequency). This sequence change replaces phenylalanine, which is neutral and non-polar, with serine, which is neutral and polar, at codon 1595 of the COL11A1 protein (p.Phe1595Ser).

NM_001854.4(COL11A1):c.4784T>C (p.Phe1595Ser)

Gene: COL11A1 (collagen type XI alpha 1 chain; minus strand). Cytogenetic location: 1p21.1.
Variant type: single nucleotide variant.
Coding change: c.4784T>C on transcript NM_001854.4 (MANE Select); coding-DNA position 4784, T replaced by C.
Protein change: p.Phe1595Ser; replaces phenylalanine 1595 with serine.
Molecular consequence: missense variant. On other transcripts: non-coding transcript variant (1).
Genome position (GRCh38, 1-based): chr1:102,886,881, A>G on the plus strand (T>C on the coding strand, the complement: COL11A1 is on the minus strand). VCF-style: chr1-102886881-A-G. GRCh37 (hg19) VCF-style: chr1-103352437-A-G.
Other names: c.4436T>C, p.Phe1479Ser (NM_001168249.1, NM_080630.4); c.4667T>C, p.Phe1556Ser (NM_001190709.2); c.4820T>C, p.Phe1607Ser (NM_080629.3); short protein forms F1479S, F1556S, F1595S, F1607S.
Identifiers: ClinVar variation 1717751 (VCV001717751.5), dbSNP rs2524226658, ClinGen allele CA341211860.